The following is an entry in ClinVar:

NM_138387.4(G6PC3):c.325+2T>G

Gene: G6PC3 (glucose-6-phosphatase catalytic subunit 3; plus strand). Cytogenetic location: 17q21.31.
Variant type: single nucleotide variant.
Coding change: c.325+2T>G on transcript NM_138387.4 (MANE Select); the canonical splice donor site of the intron after coding-DNA position 325, T replaced by G.
Molecular consequence: splice donor variant.
Genome position (GRCh38, 1-based): chr17:44,074,268, T>G. VCF-style: chr17-44074268-T-G. GRCh37 (hg19) VCF-style: chr17-42151636-T-G.
Other names: c.-21+2T>G (NM_001384168.1, NM_001384165.1, NM_001384166.1 and 1 more transcripts); c.325+2T>G (NM_001319945.2).
Identifiers: ClinVar variation 2703272 (VCV002703272.3), dbSNP rs2509364523, ClinGen allele CA399726013.

ClinVar aggregate classification (germline): Likely pathogenic (1 of 4 stars; one submission).

Conditions:
Autosomal recessive severe congenital neutropenia due to G6PC3 deficiency. Also called: NEUTROPENIA, SEVERE CONGENITAL, 4, AUTOSOMAL RECESSIVE; G6PC3 Deficiency. Identifiers: Orphanet 331176, MedGen C2751630, MONDO:0012930, OMIM 612541.

Submission:

Labcorp Genetics (formerly Invitae), Labcorp
Classification: Likely pathogenic for Autosomal recessive severe congenital neutropenia due to G6PC3 deficiency. Last evaluated: 2023-12-14. Review status: criteria provided, single submitter. Criteria: Invitae Variant Classification Sherloc (09022015). Collection method: clinical testing. Allele origin: germline.
Comment: This sequence change affects a donor splice site in intron 2 of the G6PC3 gene. It is expected to disrupt RNA splicing. Variants that disrupt the donor or acceptor splice site typically lead to a loss of protein function (PMID: 16199547), and loss-of-function variants in G6PC3 are known to be pathogenic (PMID: 19118303, 25491320). This variant is not present in population databases (gnomAD no frequency). This variant has not been reported in the literature in individuals affected with G6PC3-related conditions. Algorithms developed to predict the effect of sequence changes on RNA splicing suggest that this variant may disrupt the consensus splice site. In summary, the currently available evidence indicates that the variant is pathogenic, but additional data are needed to prove that conclusively. Therefore, this variant has been classified as Likely Pathogenic.

Literature cited by the submitters: PubMed 16199547; PubMed 19118303; PubMed 25491320.